The following is an entry in ClinVar:

ClinVar aggregate classification (germline): Conflicting classifications of pathogenicity. Review status: criteria provided, conflicting classifications (1 of 4 stars). 6 submissions from 6 submitters: Uncertain significance (5); Likely benign (1). Last evaluated 2024-03-29.

Conditions:
Orofaciodigital syndrome type 6 (OFD6). Also called: OROFACIODIGITAL SYNDROME VI; OFDS VI; POLYDACTYLY, CLEFT LIP/PALATE OR LINGUAL LUMP, AND PSYCHOMOTOR RETARDATION; VARADI SYNDROME; VARADI-PAPP SYNDROME; Oral-facial-digital syndrome type 6. Identifiers: Orphanet 2754, MedGen C2745997, MONDO:0010176, OMIM 277170.
Joubert syndrome 17 (JBTS17). Identifiers: Orphanet 475, MedGen C3553264, MONDO:0013824, OMIM 614615.

Allele frequency attached by ClinVar (database versions not stated): gnomAD exomes 0.00008 and 0.00015; gnomAD 0.00010 and 0.00015; TOPMed 0.00012; ExAC 0.00028; 1000 Genomes Project 0.00120; 1000 Genomes Project 30x 0.00125.
gnomAD v4.1: 139 of 1,551,468 alleles (0.009%); highest among the groups gnomAD compares: Middle Eastern, 0.084%; 1 homozygote.

Submissions (6):

Fulgent Genetics
Classification: Uncertain significance for Orofaciodigital syndrome type 6; Joubert syndrome 17. Last evaluated: 2024-03-29. Review status: criteria provided, single submitter. Criteria: ACMG Guidelines, 2015. Collection method: clinical testing. Allele origin: germline.

Labcorp Genetics (formerly Invitae), Labcorp
Classification: Uncertain significance. Last evaluated: 2022-08-22. Review status: criteria provided, single submitter. Criteria: Invitae Variant Classification Sherloc (09022015). Collection method: clinical testing. Allele origin: germline.
Comment: This sequence change replaces arginine, which is basic and polar, with tryptophan, which is neutral and slightly polar, at codon 408 of the CPLANE1 protein (p.Arg408Trp). This variant is present in population databases (rs189796608, gnomAD 0.05%). This variant has not been reported in the literature in individuals affected with CPLANE1-related conditions. ClinVar contains an entry for this variant (Variation ID: 1017216). Advanced modeling of protein sequence and biophysical properties (such as structural, functional, and spatial information, amino acid conservation, physicochemical variation, residue mobility, and thermodynamic stability) performed at Invitae indicates that this missense variant is not expected to disrupt CPLANE1 protein function. In summary, the available evidence is currently insufficient to determine the role of this variant in disease. Therefore, it has been classified as a Variant of Uncertain Significance.

Blueprint Genetics
Classification: Uncertain significance. Last evaluated: 2022-06-20. Review status: criteria provided, single submitter. Criteria: ACMG Guidelines, 2015. Collection method: clinical testing. Allele origin: germline.

CeGaT Center for Human Genetics Tuebingen
Classification: Likely benign. Last evaluated: 2022-05-01. Review status: criteria provided, single submitter. Criteria: CeGaT Center For Human Genetics Tuebingen Variant Classification Criteria Version 2. Collection method: clinical testing. Allele origin: germline. Affected: yes. Observed: 1 variant allele.
Comment: CPLANE1: BP4

GeneDx
Classification: Uncertain significance. Last evaluated: 2021-04-01. Review status: criteria provided, single submitter. Criteria: GeneDx Variant Classification Process June 2021. Collection method: clinical testing. Allele origin: germline. Affected: yes.
Comment: In silico analysis supports that this missense variant has a deleterious effect on protein structure/function; Has not been previously published as pathogenic or benign to our knowledge

Revvity Omics, Revvity
Classification: Uncertain significance. Last evaluated: 2020-03-30. Review status: criteria provided, single submitter. Criteria: ACMG Guidelines, 2015. Collection method: clinical testing. Allele origin: germline.

NM_001384732.1(CPLANE1):c.1222C>T (p.Arg408Trp)

Gene: CPLANE1 (ciliogenesis and planar polarity effector complex subunit 1; minus strand). Cytogenetic location: 5p13.2.
Variant type: single nucleotide variant.
Coding change: c.1222C>T on transcript NM_001384732.1 (MANE Select); coding-DNA position 1222, C replaced by T.
Protein change: p.Arg408Trp; replaces arginine 408 with tryptophan.
Molecular consequence: missense variant.
Genome position (GRCh38, 1-based): chr5:37,227,717, G>A on the plus strand (C>T on the coding strand, the complement: CPLANE1 is on the minus strand). VCF-style: chr5-37227717-G-A. GRCh37 (hg19) VCF-style: chr5-37227819-G-A.
Other names: c.1222C>T, p.Arg408Trp (NM_023073.4); short protein forms R408W.
Identifiers: ClinVar variation 1017216 (VCV001017216.34), dbSNP rs189796608, ClinGen allele CA3239121.